The following is an entry in ClinVar:

NM_207346.3(TSEN54):c.151C>G (p.Gln51Glu)

Gene: TSEN54 (tRNA splicing endonuclease subunit 54; plus strand). Cytogenetic location: 17q25.1.
Variant type: single nucleotide variant.
Coding change: c.151C>G on transcript NM_207346.3 (MANE Select); coding-DNA position 151, C replaced by G.
Protein change: p.Gln51Glu; replaces glutamine 51 with glutamic acid.
Molecular consequence: missense variant.
Genome position (GRCh38, 1-based): chr17:75,516,840, C>G. VCF-style: chr17-75516840-C-G. GRCh37 (hg19) VCF-style: chr17-73512921-C-G.
Other names: c.151C>G (NM_207346.2); short protein forms Q51E.
Identifiers: ClinVar variation 1921186 (VCV001921186.3), dbSNP rs748151171, ClinGen allele CA8763980.
Genomic context (GRCh38, chr17:75,516,840, plus strand): 5'-CAGAAGCTGCCCCAGCGCTCGCATGGCCCCAAGGACTTTCTGCCCGACGGCTCGGCAGCT[C>G]AGGCCGAGCGGCTGCGCCGGTGCCGGGAAGAGCTCTGGCAGCTGCTGGCAGAGCAGCGCG-3'
Protein context (NP_997229.2, residues 41-61): KDFLPDGSAA[Gln51Glu]AERLRRCREE

ClinVar aggregate classification (germline): Uncertain significance. Review status: criteria provided, multiple submitters, no conflicts (2 of 4 stars). 2 submissions from 2 submitters: Uncertain significance (2). Last evaluated 2025-02-13.

Conditions:
Inborn genetic diseases. Identifiers: MedGen C0950123, MeSH D030342.

Allele frequency attached by ClinVar (database versions not stated): gnomAD exomes 0.00001; TOPMed 0.00002; ExAC 0.00003; gnomAD 0.00005.

Submissions (2):

Ambry Genetics
Classification: Uncertain significance for Inborn genetic diseases. Last evaluated: 2025-02-13. Review status: criteria provided, single submitter. Criteria: Ambry Variant Classification Scheme 2023. Collection method: clinical testing. Allele origin: germline.

Labcorp Genetics (formerly Invitae), Labcorp
Classification: Uncertain significance. Last evaluated: 2022-05-13. Review status: criteria provided, single submitter. Criteria: Invitae Variant Classification Sherloc (09022015). Collection method: clinical testing. Allele origin: germline.
Comment: This sequence change replaces glutamine, which is neutral and polar, with glutamic acid, which is acidic and polar, at codon 51 of the TSEN54 protein (p.Gln51Glu). This variant is present in population databases (rs748151171, gnomAD 0.005%). This variant has not been reported in the literature in individuals affected with TSEN54-related conditions. Algorithms developed to predict the effect of missense changes on protein structure and function (SIFT, PolyPhen-2, Align-GVGD) all suggest that this variant is likely to be tolerated. In summary, the available evidence is currently insufficient to determine the role of this variant in disease. Therefore, it has been classified as a Variant of Uncertain Significance.